The following is an entry in ClinVar:

NM_001384732.1(CPLANE1):c.7708G>T (p.Ala2570Ser)

Gene: CPLANE1 (ciliogenesis and planar polarity effector complex subunit 1; minus strand). Cytogenetic location: 5p13.2.
Variant type: single nucleotide variant.
Coding change: c.7708G>T on transcript NM_001384732.1 (MANE Select); coding-DNA position 7708, G replaced by T.
Protein change: p.Ala2570Ser; replaces alanine 2570 with serine.
Molecular consequence: missense variant.
Genome position (GRCh38, 1-based): chr5:37,158,328, C>A on the plus strand (G>T on the coding strand, the complement: CPLANE1 is on the minus strand). VCF-style: chr5-37158328-C-A. GRCh37 (hg19) VCF-style: chr5-37158430-C-A.
Other names: c.7708G>T (NM_023073.3); c.7708G>T, p.Ala2570Ser (NM_023073.4); short protein forms A2570S.
Identifiers: ClinVar variation 2086207 (VCV002086207.4), dbSNP rs757802926, ClinGen allele CA3237963.

ClinVar aggregate classification (germline): Uncertain significance. Review status: criteria provided, multiple submitters, no conflicts (2 of 4 stars). 2 submissions from 2 submitters: Uncertain significance (2). Last evaluated 2024-10-30.

Allele frequency attached by ClinVar (database versions not stated): ExAC 0.00001; TOPMed 0.00001.
gnomAD v4.1: 16 of 1,613,028 alleles (0.00099%); highest among the groups gnomAD compares: East Asian, 0.0045%; no homozygotes.

Submissions (2):

GeneDx
Classification: Uncertain significance. Last evaluated: 2024-10-30. Review status: criteria provided, single submitter. Criteria: GeneDx Variant Classification Process June 2021. Collection method: clinical testing. Allele origin: germline. Affected: yes.
Comment: Not observed at significant frequency in large population cohorts (gnomAD); In silico analysis indicates that this missense variant does not alter protein structure/function; Has not been previously published as pathogenic or benign to our knowledge

Labcorp Genetics (formerly Invitae), Labcorp
Classification: Uncertain significance. Last evaluated: 2024-10-16. Review status: criteria provided, single submitter. Criteria: Invitae Variant Classification Sherloc (09022015). Collection method: clinical testing. Allele origin: germline.
Comment: This sequence change replaces alanine, which is neutral and non-polar, with serine, which is neutral and polar, at codon 2570 of the CPLANE1 protein (p.Ala2570Ser). This variant is present in population databases (rs757802926, gnomAD 0.01%). This variant has not been reported in the literature in individuals affected with CPLANE1-related conditions. ClinVar contains an entry for this variant (Variation ID: 2086207). Invitae Evidence Modeling of protein sequence and biophysical properties (such as structural, functional, and spatial information, amino acid conservation, physicochemical variation, residue mobility, and thermodynamic stability) indicates that this missense variant is not expected to disrupt CPLANE1 protein function with a negative predictive value of 95%. In summary, the available evidence is currently insufficient to determine the role of this variant in disease. Therefore, it has been classified as a Variant of Uncertain Significance.